The following is an entry in ClinVar:

NM_000489.6(ATRX):c.3610TCT[2] (p.Ser1206del)

Gene: ATRX (ATRX chromatin remodeler; minus strand). Cytogenetic location: Xq21.1.
Variant type: Microsatellite.
Coding change: c.3610TCT[2] on transcript NM_000489.6 (MANE Select); two copies in a row of the 3-base unit TCT starting at c.3610; the reference has three copies in a row; one copy, 3 bases deleted; also written c.3616_3618del.
Protein change: p.Ser1206del; deletes serine 1206.
Molecular consequence: inframe deletion.
Genome position (GRCh38, 1-based): chrX:77,681,638-77,681,640, AGA deleted on the plus strand (TCT on the coding strand, the reverse complement: ATRX is on the minus strand); deleting any 3 consecutive bases within chrX:77,681,638-77,681,646 gives the same sequence; the position shown is the placement nearest the transcript's 3' end. VCF-style (leftmost placement, unchanged base first): chrX-77681637-CAGA-C. GRCh37 (hg19) VCF-style: chrX-76937129-CAGA-C.
Other names: c.3616_3618del (NM_000489.3); c.3496TCT[2], p.Ser1168del (NM_138270.5); short protein forms S1168del, S1206del.
Identifiers: ClinVar variation 971640 (VCV000971640.8), dbSNP rs782162142, ClinGen allele CA10457934.

ClinVar aggregate classification (germline): Uncertain significance. Review status: criteria provided, multiple submitters, no conflicts (2 of 4 stars). 2 submissions from 2 submitters: Uncertain significance (2). Last evaluated 2026-03-25.

Conditions:
Alpha thalassemia-X-linked intellectual disability syndrome (ATRX). Also called: ALPHA-THALASSEMIA/MENTAL RETARDATION SYNDROME, X-LINKED; ATR, NONDELETION TYPE; ATR-X syndrome; Alpha thalassemia mental retardation syndrome, nondeletion type, X-linked; XLMR hypotonic face syndrome; X-linked alpha-thalassemia-mental retardation syndrome. Identifiers: Orphanet 847, MedGen C1845055, MONDO:0010519, OMIM 301040.

Submissions (2):

GeneDx
Classification: Uncertain significance. Last evaluated: 2026-03-25. Review status: criteria provided, single submitter. Criteria: GeneDx Variant Classification Process June 2021. Collection method: clinical testing. Allele origin: germline.
Comment: Not observed at significant frequency in large population cohorts (gnomAD); In silico analysis supports a deleterious effect on protein structure/function; In-frame deletion of 1 of amino acid(s) in a repetitive region with no known function; Has not been previously published as pathogenic or benign to our knowledge

Labcorp Genetics (formerly Invitae), Labcorp
Classification: Uncertain significance for Alpha thalassemia-X-linked intellectual disability syndrome. Last evaluated: 2021-09-01. Review status: criteria provided, single submitter. Criteria: Invitae Variant Classification Sherloc (09022015). Collection method: clinical testing. Allele origin: germline.
Comment: This variant, c.3616_3618del, results in the deletion of 1 amino acid(s) of the ATRX protein (p.Ser1206del), but otherwise preserves the integrity of the reading frame. This variant is present in population databases (rs782162142, ExAC 0.01%). This variant has not been reported in the literature in individuals affected with ATRX-related conditions. Experimental studies and prediction algorithms are not available or were not evaluated, and the functional significance of this variant is currently unknown. In summary, the available evidence is currently insufficient to determine the role of this variant in disease. Therefore, it has been classified as a Variant of Uncertain Significance.